The following is an entry in ClinVar:

NM_001844.5(COL2A1):c.2713G>A (p.Val905Ile)

Gene: COL2A1 (collagen type II alpha 1 chain; minus strand). Cytogenetic location: 12q13.11.
Variant type: single nucleotide variant.
Coding change: c.2713G>A on transcript NM_001844.5 (MANE Select); coding-DNA position 2713, G replaced by A.
Protein change: p.Val905Ile; replaces valine 905 with isoleucine.
Molecular consequence: missense variant.
Genome position (GRCh38, 1-based): chr12:47,979,531, C>T on the plus strand (G>A on the coding strand, the complement: COL2A1 is on the minus strand). VCF-style: chr12-47979531-C-T. GRCh37 (hg19) VCF-style: chr12-48373314-C-T.
Other names: c.2713G>A (NM_001844.4); c.2506G>A, p.Val836Ile (NM_033150.3); short protein forms V905I, V836I.
Identifiers: ClinVar variation 1465853 (VCV001465853.4), dbSNP rs759822181, ClinGen allele CA6535016.

ClinVar aggregate classification (germline): Conflicting classifications of pathogenicity. Review status: criteria provided, conflicting classifications (1 of 4 stars). 2 submissions from 2 submitters: Uncertain significance (1); Benign (1). Last evaluated 2024-09-27.

Allele frequency attached by ClinVar (database versions not stated): ExAC 0.00001; gnomAD exomes 0.00001; gnomAD 0.00002 and 0.00003.
gnomAD v4.1: 11 of 1,613,424 alleles (0.00068%); highest among the groups gnomAD compares: East Asian, 0.0067%; no homozygotes.

Submissions (2):

Labcorp Genetics (formerly Invitae), Labcorp
Classification: Benign. Last evaluated: 2024-09-27. Review status: criteria provided, single submitter. Criteria: Invitae Variant Classification Sherloc (09022015). Collection method: clinical testing. Allele origin: germline.

GeneDx
Classification: Uncertain significance. Last evaluated: 2022-10-19. Review status: criteria provided, single submitter. Criteria: GeneDx Variant Classification Process June 2021. Collection method: clinical testing. Allele origin: germline. Affected: yes.
Comment: Not observed at significant frequency in large population cohorts (gnomAD); In silico analysis supports that this missense variant does not alter protein structure/function; Has not been previously published as pathogenic or benign to our knowledge; Occurs in the triple helical domain at the Y position in the canonical Gly-X-Y repeat; although this variant may have an effect on normal protein folding and function, missense substitution at the Y position is not a common mechanism of disease (HGMD)